The following is an entry in ClinVar:

ClinVar aggregate classification (germline): Pathogenic (1 of 4 stars; one submission).

Submission:

Labcorp Genetics (formerly Invitae), Labcorp
Classification: Pathogenic. Last evaluated: 2023-08-21. Review status: criteria provided, single submitter. Criteria: Invitae Variant Classification Sherloc (09022015). Collection method: clinical testing. Allele origin: germline.
Comment: This sequence change affects an acceptor splice site in intron 10 of the ACAD9 gene. It is expected to disrupt RNA splicing. Variants that disrupt the donor or acceptor splice site typically lead to a loss of protein function (PMID: 16199547), and loss-of-function variants in ACAD9 are known to be pathogenic (PMID: 25721401). This variant is not present in population databases (gnomAD no frequency). Disruption of this splice site has been observed in individuals with complex 1 deficiency (PMID: 25721401, 26475292). Algorithms developed to predict the effect of sequence changes on RNA splicing suggest that this variant may disrupt the consensus splice site. For these reasons, this variant has been classified as Pathogenic.

Literature cited by the submitters: PubMed 16199547; PubMed 25721401; PubMed 26475292.

NM_014049.5(ACAD9):c.1030-1G>C

Gene: ACAD9 (acyl-CoA dehydrogenase family member 9; plus strand). Cytogenetic location: 3q21.3.
Variant type: single nucleotide variant.
Coding change: c.1030-1G>C on transcript NM_014049.5 (MANE Select); the canonical splice acceptor site of the intron before coding-DNA position 1030, G replaced by C.
Molecular consequence: splice acceptor variant.
Genome position (GRCh38, 1-based): chr3:128,904,385, G>C. VCF-style: chr3-128904385-G-C. GRCh37 (hg19) VCF-style: chr3-128623228-G-C.
Other names: c.661-1G>C (NM_001410805.1).
Identifiers: ClinVar variation 2813572 (VCV002813572.3), dbSNP rs773586510, ClinGen allele CA354436090.
Genomic context (GRCh38, chr3:128,904,385, plus strand): 5'-TTCACAGATTTGGCTCTCAGCACATGCAAATTGTTTCTTGTGTTTTTTCTGAACACTCCA[G>C]GAGAAATTTGCACTGATGGCTCAGAAGGCTTACGTCATGGAGAGTATGACCTACCTCACA-3'